The following is an entry in ClinVar:

NM_001378454.1(ALMS1):c.9600A>C (p.Ala3200=)

Gene: ALMS1 (ALMS1 centrosome and basal body associated protein; plus strand). Cytogenetic location: 2p13.1.
Variant type: single nucleotide variant.
Coding change: c.9600A>C on transcript NM_001378454.1 (MANE Select); coding-DNA position 9600, A replaced by C.
Protein change: p.Ala3200=; no amino-acid change (alanine 3200 retained).
Molecular consequence: synonymous variant.
Genome position (GRCh38, 1-based): chr2:73,519,835, A>C. VCF-style: chr2-73519835-A-C. GRCh37 (hg19) VCF-style: chr2-73746962-A-C.
Other names: c.9603A>C, p.Ala3201= (NM_015120.4).
Identifiers: ClinVar variation 699046 (VCV000699046.40), dbSNP rs113808259, ClinGen allele CA1714707.

ClinVar aggregate classification (germline): Likely benign. Review status: criteria provided, multiple submitters, no conflicts (2 of 4 stars). 5 submissions from 5 submitters: Likely benign (4). 1 of the submissions does not count toward it. Last evaluated 2025-12-19.

Conditions:
Cardiovascular phenotype. Identifiers: MedGen CN230736.
Alstrom syndrome (ALMS). Identifiers: Orphanet 64, MedGen C0268425, MONDO:0008763, OMIM 203800.

Allele frequency attached by ClinVar (database versions not stated): ESP Exome Variant Server 0.00008; TOPMed 0.00008; gnomAD 0.00010; 1000 Genomes Project 30x 0.00016.
gnomAD v4.1: 133 of 1,614,060 alleles (0.0082%); highest among the groups gnomAD compares: Non-Finnish European, 0.0087%; no homozygotes.

Submissions (5):

Labcorp Genetics (formerly Invitae), Labcorp
Classification: Likely benign for Alstrom syndrome. Last evaluated: 2025-12-19. Review status: criteria provided, single submitter. Criteria: Invitae Variant Classification Sherloc (09022015). Collection method: clinical testing. Allele origin: germline.

CeGaT Center for Human Genetics Tuebingen
Classification: Likely benign. Last evaluated: 2023-03-01. Review status: criteria provided, single submitter. Criteria: CeGaT Center For Human Genetics Tuebingen Variant Classification Criteria Version 2. Collection method: clinical testing. Allele origin: germline. Affected: yes. Observed: 1 variant allele.
Comment: ALMS1: BP4, BP7

GeneDx
Classification: Likely benign. Last evaluated: 2021-03-24. Review status: criteria provided, single submitter. Criteria: GeneDx Variant Classification Process June 2021. Collection method: clinical testing. Allele origin: germline. Affected: yes.

Ambry Genetics
Classification: Likely benign for Cardiovascular phenotype. Last evaluated: 2019-11-29. Review status: criteria provided, single submitter. Criteria: Ambry Variant Classification Scheme 2023. Collection method: clinical testing. Allele origin: germline.

Natera, Inc.
Classification: Uncertain significance for Alstrom syndrome. Last evaluated: 2020-01-24. Review status: no assertion criteria provided. Collection method: clinical testing. Allele origin: germline. Not counted in ClinVar's aggregate classification.